The following is an entry in ClinVar:

NM_001005242.3(PKP2):c.847A>G (p.Asn283Asp)

Gene: PKP2 (plakophilin 2; minus strand). Cytogenetic location: 12p11.21.
Variant type: single nucleotide variant.
Coding change: c.847A>G on transcript NM_001005242.3 (MANE Select); coding-DNA position 847, A replaced by G.
Protein change: p.Asn283Asp; replaces asparagine 283 with aspartic acid.
Molecular consequence: missense variant.
Genome position (GRCh38, 1-based): chr12:32,878,033, T>C on the plus strand (A>G on the coding strand, the complement: PKP2 is on the minus strand). VCF-style: chr12-32878033-T-C. GRCh37 (hg19) VCF-style: chr12-33030967-T-C.
Other names: c.847A>G, p.Asn283Asp (NM_001407155.1, NM_001407156.1, NM_001407157.1 and 2 more transcripts); c.520A>G, p.Asn174Asp (NM_001407158.1, NM_001407159.1, NM_001407160.1 and 1 more transcripts); short protein forms N174D, N283D.
Identifiers: ClinVar variation 4529907 (VCV004529907.1).

ClinVar aggregate classification (germline): Uncertain significance (1 of 4 stars; one submission).

Submission:

GeneDx
Classification: Uncertain significance. Last evaluated: 2025-05-13. Review status: criteria provided, single submitter. Criteria: GeneDx Variant Classification Process June 2021. Collection method: clinical testing. Allele origin: germline. Affected: yes.
Comment: Not observed at significant frequency in large population cohorts (gnomAD); In silico analysis suggests that this missense variant does not alter protein structure/function; Has not been previously published as pathogenic or benign to our knowledge